The following is an entry in ClinVar:

ClinVar aggregate classification (germline): Uncertain significance (1 of 4 stars; one submission).

Conditions:
Inborn genetic diseases. Identifiers: MedGen C0950123, MeSH D030342.

Submission:

Ambry Genetics
Classification: Uncertain significance for Inborn genetic diseases. Last evaluated: 2025-08-23. Review status: criteria provided, single submitter. Criteria: Ambry Variant Classification Scheme 2023. Collection method: clinical testing. Allele origin: germline.
Comment: The p.A870V variant (also known as c.2609C>T), located in coding exon 21 of the KDM1A gene, results from a C to T substitution at nucleotide position 2609. The alanine at codon 870 is replaced by valine, an amino acid with similar properties. This amino acid position is conserved. In addition, this alteration is predicted to be tolerated by in silico analysis. Based on the available evidence, the clinical significance of this variant remains unclear.

NM_001009999.3(KDM1A):c.2609C>T (p.Ala870Val)

Gene: KDM1A (lysine demethylase 1A; plus strand). Cytogenetic location: 1p36.12.
Variant type: single nucleotide variant.
Coding change: c.2609C>T on transcript NM_001009999.3 (MANE Select); coding-DNA position 2609, C replaced by T.
Protein change: p.Ala870Val; replaces alanine 870 with valine.
Molecular consequence: missense variant. On other transcripts: 3 prime UTR variant (1).
Genome position (GRCh38, 1-based): chr1:23,083,342, C>T. VCF-style: chr1-23083342-C-T. GRCh37 (hg19) VCF-style: chr1-23409835-C-T.
Other names: c.2555C>T, p.Ala852Val (NM_001363654.2); c.2615C>T, p.Ala872Val (NM_001410762.1); c.*857C>T (NM_001410763.1); c.2537C>T, p.Ala846Val (NM_015013.4); short protein forms A872V, A846V, A870V, A852V.
Identifiers: ClinVar variation 4091100 (VCV004091100.1).